The following is an entry in ClinVar:

NM_006231.4(POLE):c.4176C>A (p.Asn1392Lys)

Gene: POLE (DNA polymerase epsilon, catalytic subunit; minus strand). Cytogenetic location: 12q24.33.
Variant type: single nucleotide variant.
Coding change: c.4176C>A on transcript NM_006231.4 (MANE Select); coding-DNA position 4176, C replaced by A.
Protein change: p.Asn1392Lys; replaces asparagine 1392 with lysine.
Molecular consequence: missense variant.
Genome position (GRCh38, 1-based): chr12:132,643,951, G>T on the plus strand (C>A on the coding strand, the complement: POLE is on the minus strand). VCF-style: chr12-132643951-G-T. GRCh37 (hg19) VCF-style: chr12-133220537-G-T.
Other names: short protein forms N1392K.
Identifiers: ClinVar variation 2091296 (VCV002091296.4), dbSNP rs2138561750, ClinGen allele CA387382434.
Genomic context (GRCh38, chr12:132,643,951, plus strand): 5'-GTTGATGTGTTCCTGGTACATGTCCTCTGGCACTGAATACTCATAGAGATTGTAGACCAT[G>T]TTGGAGCGAGGAAGGACCCGATTTACCTGGCGAGAATACGACGATGATCTCGTCACTGGG-3'
Protein context (NP_006222.2, residues 1382-1402): RKVNRVLPRS[Asn1392Lys]MVYNLYEYSV

ClinVar aggregate classification (germline): Uncertain significance (1 of 4 stars; one submission).

Submission:

Labcorp Genetics (formerly Invitae), Labcorp
Classification: Uncertain significance. Last evaluated: 2022-01-31. Review status: criteria provided, single submitter. Criteria: Invitae Variant Classification Sherloc (09022015). Collection method: clinical testing. Allele origin: germline.
Comment: In summary, the available evidence is currently insufficient to determine the role of this variant in disease. Therefore, it has been classified as a Variant of Uncertain Significance. Algorithms developed to predict the effect of missense changes on protein structure and function (SIFT, PolyPhen-2, Align-GVGD) all suggest that this variant is likely to be tolerated. This variant has not been reported in the literature in individuals affected with POLE-related conditions. This variant is not present in population databases (gnomAD no frequency). This sequence change replaces asparagine, which is neutral and polar, with lysine, which is basic and polar, at codon 1392 of the POLE protein (p.Asn1392Lys).